The following is an entry in ClinVar:

ClinVar aggregate classification (germline): Uncertain significance (1 of 4 stars; one submission).

Allele frequency attached by ClinVar (database versions not stated): gnomAD exomes 0.00001; TOPMed 0.00001.

Submission:

Labcorp Genetics (formerly Invitae), Labcorp
Classification: Uncertain significance. Last evaluated: 2025-04-17. Review status: criteria provided, single submitter. Criteria: Invitae Variant Classification Sherloc (09022015). Collection method: clinical testing. Allele origin: germline.
Comment: This sequence change replaces leucine, which is neutral and non-polar, with proline, which is neutral and non-polar, at codon 65 of the FSCN2 protein (p.Leu65Pro). This variant is not present in population databases (gnomAD no frequency). This variant has not been reported in the literature in individuals affected with FSCN2-related conditions. ClinVar contains an entry for this variant (Variation ID: 1443452). An algorithm developed to predict the effect of missense changes on protein structure and function (PolyPhen-2) suggests that this variant is likely to be disruptive. In summary, the available evidence is currently insufficient to determine the role of this variant in disease. Therefore, it has been classified as a Variant of Uncertain Significance.

NM_012418.4(FSCN2):c.194T>C (p.Leu65Pro)

Gene: FSCN2 (fascin actin-bundling protein 2, retinal; plus strand). Cytogenetic location: 17q25.3.
Variant type: single nucleotide variant.
Coding change: c.194T>C on transcript NM_012418.4 (MANE Select); coding-DNA position 194, T replaced by C.
Protein change: p.Leu65Pro; replaces leucine 65 with proline.
Molecular consequence: missense variant.
Genome position (GRCh38, 1-based): chr17:81,528,725, T>C. VCF-style: chr17-81528725-T-C. GRCh37 (hg19) VCF-style: chr17-79495751-T-C.
Other names: c.194T>C, p.Leu65Pro (NM_001077182.3); short protein forms L65P.
Identifiers: ClinVar variation 1443452 (VCV001443452.6), dbSNP rs2032434549, ClinGen allele CA401470206.